The following is an entry in ClinVar:

ClinVar aggregate classification (germline): Pathogenic (1 of 4 stars; one submission).

Allele frequency attached by ClinVar (database versions not stated): gnomAD exomes below 0.00001.
gnomAD v4.1: 3 of 1,614,216 alleles (0.00019%); highest among the groups gnomAD compares: South Asian, 0.0011%; no homozygotes.

Submission:

GeneDx
Classification: Pathogenic. Last evaluated: 2018-07-16. Review status: criteria provided, single submitter. Criteria: GeneDx Variant Classification (06012015). Collection method: clinical testing. Allele origin: germline. Affected: yes.
Comment: The Q418X variant in the CENPJ gene has not been reported previously as a pathogenic variant nor as a benign variant, to our knowledge. This variant is predicted to cause loss of normal protein function either through protein truncation or nonsense-mediated mRNA decay. The Q418X variant is not observed in large population cohorts (Lek et al., 2016). We interpret Q418X as a pathogenic variant.

NM_018451.5(CPAP):c.1252C>T (p.Gln418Ter)

Gene: CPAP (centrosome assembly and centriole elongation protein; minus strand). Cytogenetic location: 13q12.13.
Variant type: single nucleotide variant.
Coding change: c.1252C>T on transcript NM_018451.5 (MANE Select); coding-DNA position 1252, C replaced by T.
Protein change: p.Gln418Ter; replaces glutamine 418 with a stop codon.
Molecular consequence: nonsense. On other transcripts: non-coding transcript variant (2).
Genome position (GRCh38, 1-based): chr13:24,906,786, G>A on the plus strand (C>T on the coding strand, the complement: CPAP is on the minus strand). VCF-style: chr13-24906786-G-A. GRCh37 (hg19) VCF-style: chr13-25480924-G-A.
Other names: short protein forms Q418*.
Identifiers: ClinVar variation 620279 (VCV000620279.1), dbSNP rs1566295297, ClinGen allele CA387588611.
Genomic context (GRCh38, chr13:24,906,786, plus strand): 5'-GGATAGGGTTGTCTGCACACAGCTCTTTATTTTTAAGAGCGGTTTTCCGCTGGAGTTGCT[G>A]TCTATCCATTTTAAACAGCGGCTGGTCCTCGGAAGTGCTCTGGTTAGTCACTAGTTTACT-3'